The following is an entry in ClinVar:

NM_001035.3(RYR2):c.1534G>A (p.Ala512Thr)

Gene: RYR2 (ryanodine receptor 2; plus strand). Cytogenetic location: 1q43.
Variant type: single nucleotide variant.
Coding change: c.1534G>A on transcript NM_001035.3 (MANE Select); coding-DNA position 1534, G replaced by A.
Protein change: p.Ala512Thr; replaces alanine 512 with threonine.
Molecular consequence: missense variant.
Genome position (GRCh38, 1-based): chr1:237,456,657, G>A. VCF-style: chr1-237456657-G-A. GRCh37 (hg19) VCF-style: chr1-237619957-G-A.
Other names: short protein forms A512T.
Identifiers: ClinVar variation 3791609 (VCV003791609.1).
Genomic context (GRCh38, chr1:237,456,657, plus strand): 5'-CAGGGAATGATCAACCTCGTGCTTGAGTGCATAGACCGTTTGCACGTCTACAGCAGTGCA[G>A]CACACTTTGCTGATGTTGCTGGGCGAGAAGCAGGAGAGTCTTGGAAATCCATTCTGAATT-3'
Protein context (NP_001026.2, residues 502-522): IDRLHVYSSA[Ala512Thr]HFADVAGREA

ClinVar aggregate classification (germline): Uncertain significance (1 of 4 stars; one submission).

Conditions:
Cardiovascular phenotype. Identifiers: MedGen CN230736.

Submission:

Ambry Genetics
Classification: Uncertain significance for Cardiovascular phenotype. Last evaluated: 2025-02-27. Review status: criteria provided, single submitter. Criteria: Ambry Variant Classification Scheme 2023. Collection method: clinical testing. Allele origin: germline.
Comment: The p.A512T variant (also known as c.1534G>A), located in coding exon 16 of the RYR2 gene, results from a G to A substitution at nucleotide position 1534. The alanine at codon 512 is replaced by threonine, an amino acid with similar properties. This amino acid position is highly conserved in available vertebrate species. In addition, the in silico prediction for this alteration is inconclusive. Based on the available evidence, the clinical significance of this variant remains unclear.